The following is an entry in ClinVar:

NM_001244008.2(KIF1A):c.3640+12C>T

Gene: KIF1A (kinesin family member 1A; minus strand). Cytogenetic location: 2q37.3.
Variant type: single nucleotide variant.
Coding change: c.3640+12C>T on transcript NM_001244008.2 (MANE Select); 12 bases into the intron after coding-DNA position 3640, C replaced by T.
Molecular consequence: intron variant.
Genome position (GRCh38, 1-based): chr2:240,742,917, G>A on the plus strand (C>T on the coding strand, the complement: KIF1A is on the minus strand). VCF-style: chr2-240742917-G-A. GRCh37 (hg19) VCF-style: chr2-241682334-G-A.
Other names: c.3337+12C>T (NM_001379653.1, NM_001379650.1, NM_001379641.1 and 5 more transcripts); c.3613+12C>T (NM_001379645.1, NM_001379633.1, NM_001379642.1); c.3439+12C>T (NM_001379635.1, NM_001330290.2, NM_001379646.1 and 1 more transcripts); c.3334+12C>T (NM_001379640.1); c.3589+12C>T (NM_001379632.1); c.3412+12C>T (NM_001379637.1, NM_001379648.1); c.3364+12C>T (NM_001320705.2, NM_001379638.1, NM_001330289.2); c.3715+12C>T (NM_001379631.1).
Identifiers: ClinVar variation 930397 (VCV000930397.11), dbSNP rs1403885809, ClinGen allele CA540549924.

ClinVar aggregate classification (germline): Conflicting classifications of pathogenicity. Review status: criteria provided, conflicting classifications (1 of 4 stars). 2 submissions from 2 submitters: Uncertain significance (1); Likely benign (1). Last evaluated 2023-04-22.

Conditions:
Neuropathy, hereditary sensory, type 2C. Also called: KIF1A-Related HSAN2 (HSAN2C); Hereditary sensory and autonomic neuropathy type IIC. Identifiers: Orphanet 970, MedGen C3280168, MONDO:0013634, OMIM 614213.
Intellectual disability, autosomal dominant 9 (NESCAVS). Also called: NESCAV SYNDROME; KIF1A-Related Neurodevelopmental Disorder. Identifiers: Orphanet 662367, MedGen C5393830, MONDO:0013656, OMIM 614255.
Hereditary spastic paraplegia 30. Identifiers: Orphanet 101010, MedGen C5235139, MONDO:0012476.
Neuropathy, hereditary sensory and autonomic, type 2A (HSAN2A). Also called: HSAN IIA; MORVAN DISEASE; NEUROPATHY, CONGENITAL SENSORY; NEUROPATHY, HEREDITARY SENSORY RADICULAR, AUTOSOMAL RECESSIVE; NEUROPATHY, HEREDITARY SENSORY, TYPE IIA; NEUROPATHY, PROGRESSIVE SENSORY, OF CHILDREN. Identifiers: Orphanet 970, MedGen C2752089, MONDO:0024309, OMIM 201300.

Allele frequency attached by ClinVar (database versions not stated): gnomAD exomes 0.00001.
gnomAD v4.1: 8 of 1,609,762 alleles (0.0005%); highest among the groups gnomAD compares: Non-Finnish European, 0.00068%; no homozygotes.

Submissions (2):

Labcorp Genetics (formerly Invitae), Labcorp
Classification: Likely benign for Hereditary spastic paraplegia 30; Neuropathy, hereditary sensory, type 2C; Intellectual disability, autosomal dominant 9. Last evaluated: 2023-04-22. Review status: criteria provided, single submitter. Criteria: Invitae Variant Classification Sherloc (09022015). Collection method: clinical testing. Allele origin: germline.

Centre for Mendelian Genomics, University Medical Centre Ljubljana
Classification: Uncertain significance for Neuropathy, hereditary sensory and autonomic, type 2A. Last evaluated: 2019-02-21. Review status: criteria provided, single submitter. Criteria: ACMG Guidelines, 2015. Collection method: clinical testing. Allele origin: unknown. Affected: yes.
Comment: This variant was classified as: Uncertain significance. The available evidence on this variant's pathogenicity is insufficient or conflicting. The following ACMG criteria were applied in classifying this variant: No criteria apply.